The following is an entry in ClinVar:

ClinVar aggregate classification (germline): Likely benign (0 of 4 stars; one submission).

Conditions:
SYNCRIP-related disorder. Also called: SYNCRIP-related condition.

Allele frequency attached by ClinVar (database versions not stated): gnomAD 0.00001.

Submission:

PreventionGenetics, part of Exact Sciences
Classification: Likely benign for SYNCRIP-related condition. Last evaluated: 2019-09-19. Review status: no assertion criteria provided. Collection method: clinical testing. Allele origin: germline.
Comment: This variant is classified as likely benign based on ACMG/AMP sequence variant interpretation guidelines (Richards et al. 2015 PMID: 25741868, with internal and published modifications).

NM_006372.5(SYNCRIP):c.1788A>G (p.Gln596=)

Gene: SYNCRIP (synaptotagmin binding cytoplasmic RNA interacting protein; minus strand). Cytogenetic location: 6q14.3.
Variant type: single nucleotide variant.
Coding change: c.1788A>G on transcript NM_006372.5 (MANE Select); coding-DNA position 1788, A replaced by G.
Protein change: p.Gln596=; no amino-acid change (glutamine 596 retained).
Molecular consequence: synonymous variant. On other transcripts: intron variant (6).
Genome position (GRCh38, 1-based): chr6:85,614,840, T>C on the plus strand (A>G on the coding strand, the complement: SYNCRIP is on the minus strand). VCF-style: chr6-85614840-T-C. GRCh37 (hg19) VCF-style: chr6-86324558-T-C.
Other names: c.1683A>G, p.Gln561= (NM_001159675.2); c.1494A>G, p.Gln498= (NM_001410938.1, NM_001439159.1); c.1788A>G, p.Gln596= (NM_001439158.1, NM_001439161.1, NM_001439162.1); c.1647+141A>G (NM_001439160.1, NM_001159676.2, NM_001159677.2); c.1191+141A>G (NM_001253771.2); c.1353+141A>G (NM_001159673.2); c.1542+141A>G (NM_001159674.2).
Identifiers: ClinVar variation 3040778 (VCV003040778.2), dbSNP rs1270684969, ClinGen allele CA451342096.